The following is an entry in ClinVar:

NM_004366.6(CLCN2):c.510C>T (p.Ile170=)

Gene: CLCN2 (chloride voltage-gated channel 2; minus strand). Cytogenetic location: 3q27.1.
Variant type: single nucleotide variant.
Coding change: c.510C>T on transcript NM_004366.6 (MANE Select); coding-DNA position 510, C replaced by T.
Protein change: p.Ile170=; no amino-acid change (isoleucine 170 retained).
Molecular consequence: synonymous variant.
Genome position (GRCh38, 1-based): chr3:184,358,067, G>A on the plus strand (C>T on the coding strand, the complement: CLCN2 is on the minus strand). VCF-style: chr3-184358067-G-A. GRCh37 (hg19) VCF-style: chr3-184075855-G-A.
Other names: c.510C>T, p.Ile170= (NM_001171087.3, NM_001171089.3); c.378C>T, p.Ile126= (NM_001171088.3).
Identifiers: ClinVar variation 2059718 (VCV002059718.5), dbSNP rs150833904, ClinGen allele CA2734469.

ClinVar aggregate classification (germline): Likely benign. Review status: criteria provided, multiple submitters, no conflicts (2 of 4 stars). 2 submissions from 2 submitters: Likely benign (2). Last evaluated 2026-07-01.

Allele frequency attached by ClinVar (database versions not stated): ExAC 0.00011; 1000 Genomes Project 30x 0.00016; 1000 Genomes Project 0.00020; gnomAD 0.00020; ESP Exome Variant Server 0.00023; TOPMed 0.00032.
gnomAD v4.1: 66 of 1,614,144 alleles (0.0041%); highest among the groups gnomAD compares: African/African-American, 0.063%; no homozygotes.

Submissions (2):

CeGaT Center for Human Genetics Tuebingen
Classification: Likely benign. Last evaluated: 2026-07-01. Review status: criteria provided, single submitter. Criteria: CeGaT Center For Human Genetics Tuebingen Variant Classification Criteria Version 2. Collection method: clinical testing. Allele origin: germline. Affected: yes. Observed: 1 variant allele.
Comment: CLCN2: BP4, BP7

Labcorp Genetics (formerly Invitae), Labcorp
Classification: Likely benign. Last evaluated: 2025-06-12. Review status: criteria provided, single submitter. Criteria: Invitae Variant Classification Sherloc (09022015). Collection method: clinical testing. Allele origin: germline.